The following is an entry in ClinVar:

ClinVar aggregate classification (germline): Uncertain significance (1 of 4 stars; one submission).

Conditions:
Nemaline myopathy 8 (NEM8). Also called: Nemaline myopathy 8, autosomal recessive. Identifiers: Orphanet 171430, MedGen C3809209, MONDO:0014138, OMIM 615348.

Allele frequency attached by ClinVar (database versions not stated): gnomAD exomes below 0.00001 and 0.00001; TOPMed 0.00002.
gnomAD v4.1: 3 of 1,609,748 alleles (0.00019%); highest among the groups gnomAD compares: Non-Finnish European, 0.00025%; no homozygotes.

Submission:

Labcorp Genetics (formerly Invitae), Labcorp
Classification: Uncertain significance for Nemaline myopathy 8. Last evaluated: 2022-09-01. Review status: criteria provided, single submitter. Criteria: Invitae Variant Classification Sherloc (09022015). Collection method: clinical testing. Allele origin: germline.
Comment: This sequence change replaces valine, which is neutral and non-polar, with methionine, which is neutral and non-polar, at codon 238 of the KLHL40 protein (p.Val238Met). The frequency data for this variant in the population databases is considered unreliable, as metrics indicate poor data quality at this position in the gnomAD database. This variant has not been reported in the literature in individuals affected with KLHL40-related conditions. ClinVar contains an entry for this variant (Variation ID: 1025627). Algorithms developed to predict the effect of missense changes on protein structure and function are either unavailable or do not agree on the potential impact of this missense change (SIFT: "Deleterious"; PolyPhen-2: "Probably Damaging"; Align-GVGD: "Class C15"). In summary, the available evidence is currently insufficient to determine the role of this variant in disease. Therefore, it has been classified as a Variant of Uncertain Significance.

NM_152393.4(KLHL40):c.712G>A (p.Val238Met)

Gene: KLHL40 (kelch like family member 40; plus strand). Cytogenetic location: 3p22.1.
Variant type: single nucleotide variant.
Coding change: c.712G>A on transcript NM_152393.4 (MANE Select); coding-DNA position 712, G replaced by A.
Protein change: p.Val238Met; replaces valine 238 with methionine.
Molecular consequence: missense variant.
Genome position (GRCh38, 1-based): chr3:42,686,330, G>A. VCF-style: chr3-42686330-G-A. GRCh37 (hg19) VCF-style: chr3-42727822-G-A.
Other names: short protein forms V238M.
Identifiers: ClinVar variation 1025627 (VCV001025627.2), dbSNP rs1478443086, ClinGen allele CA352290566.